The following is an entry in ClinVar:

NM_153676.4(USH1C):c.760-1G>C

Gene: USH1C (USH1 protein network component harmonin; minus strand). Cytogenetic location: 11p15.1.
Variant type: single nucleotide variant.
Coding change: c.760-1G>C on transcript NM_153676.4 (MANE Select); the canonical splice acceptor site of the intron before coding-DNA position 760, G replaced by C.
Molecular consequence: splice acceptor variant.
Genome position (GRCh38, 1-based): chr11:17,523,479, C>G on the plus strand (G>C on the coding strand, the complement: USH1C is on the minus strand). VCF-style: chr11-17523479-C-G. GRCh37 (hg19) VCF-style: chr11-17545026-C-G.
Other names: c.760-1G>C (NM_001297764.2, NM_005709.4).
Identifiers: ClinVar variation 2842503 (VCV002842503.3), dbSNP rs1187887456, ClinGen allele CA379790382.

ClinVar aggregate classification (germline): Likely pathogenic (1 of 4 stars; one submission).

Submission:

Labcorp Genetics (formerly Invitae), Labcorp
Classification: Likely pathogenic. Last evaluated: 2023-03-12. Review status: criteria provided, single submitter. Criteria: Invitae Variant Classification Sherloc (09022015). Collection method: clinical testing. Allele origin: germline.
Comment: This sequence change affects an acceptor splice site in intron 9 of the USH1C gene. It is expected to disrupt RNA splicing. Variants that disrupt the donor or acceptor splice site typically lead to a loss of protein function (PMID: 16199547), and loss-of-function variants in USH1C are known to be pathogenic (PMID: 10973247, 17407589, 20301442, 21203349). This variant is not present in population databases (gnomAD no frequency). This variant has not been reported in the literature in individuals affected with USH1C-related conditions. Algorithms developed to predict the effect of sequence changes on RNA splicing suggest that this variant may disrupt the consensus splice site. In summary, the currently available evidence indicates that the variant is pathogenic, but additional data are needed to prove that conclusively. Therefore, this variant has been classified as Likely Pathogenic.

Literature cited by the submitters: PubMed 16199547; PubMed 10973247; PubMed 17407589; PubMed 20301442; PubMed 21203349.